The following is an entry in ClinVar:

NM_000214.3(JAG1):c.3067G>A (p.Asp1023Asn)

Gene: JAG1 (jagged canonical Notch ligand 1; minus strand). Cytogenetic location: 20p12.2.
Variant type: single nucleotide variant.
Coding change: c.3067G>A on transcript NM_000214.3 (MANE Select); coding-DNA position 3067, G replaced by A.
Protein change: p.Asp1023Asn; replaces aspartic acid 1023 with asparagine.
Molecular consequence: missense variant.
Genome position (GRCh38, 1-based): chr20:10,640,915, C>T on the plus strand (G>A on the coding strand, the complement: JAG1 is on the minus strand). VCF-style: chr20-10640915-C-T. GRCh37 (hg19) VCF-style: chr20-10621563-C-T.
Other names: short protein forms D1023N.
Identifiers: ClinVar variation 4993579 (VCV004993579.1).
Genomic context (GRCh38, chr20:10,640,915, plus strand): 5'-CACGTTTACTAACAAGATCGATTATTTTGTCAGTGATTTCCTTGATCGGGTTCCCATCAT[C>T]CCGTATATCTTCAGCAGACTGGAAAAACAATTGTCAGACTTGAGAGTCAGAGGAATACTC-3'
Protein context (NP_000205.1, residues 1013-1033): HVAISAEDIR[Asp1023Asn]DGNPIKEITD

ClinVar aggregate classification (germline): Uncertain significance (1 of 4 stars; one submission).

Conditions:
JAG1-related disorder. Also called: JAG1-related condition; JAG1-related disorders.

gnomAD v4.1: 1 of 1,614,174 alleles (0.000062%); highest among the groups gnomAD compares: Non-Finnish European, 0.000085%; no homozygotes.

Submission:

PreventionGenetics, part of Exact Sciences
Classification: Uncertain significance for JAG1-related condition. Last evaluated: 2025-11-24. Review status: criteria provided, single submitter. Criteria: ACMG Guidelines, 2015. Collection method: clinical testing. Allele origin: germline.
Comment: The JAG1 c.3067G>A variant is predicted to result in the amino acid substitution p.Asp1023Asn. To our knowledge, this variant has not been reported in the literature or in a large population database (gnomAD), indicating this variant is rare. However, in gnomAD v4 (available only on GRCh38), this variant is reported in 1 allele in the European (non-Finnish) subpopulation. At this time, the clinical significance of this variant is uncertain due to the absence of conclusive functional and genetic evidence.